The following is an entry in ClinVar:

NM_001025389.2(AMPD3):c.1445C>T (p.Ser482Leu)

Gene: AMPD3 (adenosine monophosphate deaminase 3; plus strand). Cytogenetic location: 11p15.4.
Variant type: single nucleotide variant.
Coding change: c.1445C>T on transcript NM_001025389.2 (MANE Select); coding-DNA position 1445, C replaced by T.
Protein change: p.Ser482Leu; replaces serine 482 with leucine.
Molecular consequence: missense variant.
Genome position (GRCh38, 1-based): chr11:10,496,826, C>T. VCF-style: chr11-10496826-C-T. GRCh37 (hg19) VCF-style: chr11-10518373-C-T.
Other names: c.1472C>T, p.Ser491Leu (NM_000480.3); c.1466C>T, p.Ser489Leu (NM_001025390.2); c.1445C>T, p.Ser482Leu (NM_001172430.1); c.968C>T, p.Ser323Leu (NM_001172431.2); short protein forms S491L, S482L, S489L, S323L.
Identifiers: ClinVar variation 193613 (VCV000193613.9), dbSNP rs144107914, ClinGen allele CA239157.

ClinVar aggregate classification (germline): Uncertain significance. Review status: criteria provided, multiple submitters, no conflicts (2 of 4 stars). 2 submissions from 2 submitters: Uncertain significance (2). Last evaluated 2017-12-14.

Conditions:
Erythrocyte AMP deaminase deficiency. Identifiers: Orphanet 45, MedGen C2752073, OMIM 612874, MONDO:0020734.

Allele frequency attached by ClinVar (database versions not stated): gnomAD 0.00048 and 0.00049; TOPMed 0.00053; ESP Exome Variant Server 0.00069.
gnomAD v4.1: 1,263 of 1,614,018 alleles (0.078%); highest among the groups gnomAD compares: Non-Finnish European, 0.1%; 2 homozygotes.

Submissions (2):

Illumina Laboratory Services, Illumina
Classification: Uncertain significance for Erythrocyte AMP deaminase deficiency. Last evaluated: 2017-12-14. Review status: criteria provided, single submitter. Criteria: ICSL Variant Classification Criteria 13 December 2019. Collection method: clinical testing. Allele origin: germline.
Comment: This variant was observed as part of a predisposition screen in an ostensibly healthy population. A literature search was performed for the gene, cDNA change, and amino acid change (where applicable). Publications were found based on this search. However, the evidence from the literature, in combination with allele frequency data from public databases where available, was not sufficient to rule this variant in or out of causing disease. Therefore, this variant is classified as a variant of unknown significance.

Eurofins Ntd Llc (ga)
Classification: Uncertain significance. Last evaluated: 2014-12-01. Review status: criteria provided, single submitter. Criteria: EGL Classification Definitions 2015. Collection method: clinical testing. Allele origin: germline. Observed: 2 variant alleles, 2 heterozygotes.

Literature cited by the submitters: PubMed 25158045 (cited by Illumina Laboratory Services, Illumina).